The following is an entry in ClinVar:

NM_014915.3(ANKRD26):c.3654+4_3654+7del

Gene: ANKRD26 (ankyrin repeat domain 26; minus strand). Cytogenetic location: 10p12.1.
Variant type: Microsatellite.
Coding change: c.3654+4_3654+7del on transcript NM_014915.3 (MANE Select); bases 4 to 7 of the intron after coding-DNA position 3654, 4 bases deleted (AGTA; older notation c.3654+4_3654+7delAGTA).
Molecular consequence: splice donor variant.
Genome position (GRCh38, 1-based): chr10:27,034,789-27,034,792, TACT deleted on the plus strand (AGTA on the coding strand, the reverse complement: ANKRD26 is on the minus strand); deleting any 4 consecutive bases within chr10:27,034,789-27,034,797 gives the same sequence; the c. name uses the placement nearest the transcript's 3' end. VCF-style (leftmost placement, unchanged base first): chr10-27034788-ATACT-A. GRCh37 (hg19) VCF-style: chr10-27323717-ATACT-A.
Other names: p.?; c.3651+4_3651+7del (NM_001256053.2); c.3654+4_3654+7del (NM_014915.2).
Identifiers: ClinVar variation 1698277 (VCV001698277.11), dbSNP rs777026529, ClinGen allele CA5448002.
Genomic context (GRCh38, chr10:27,034,788, plus strand): 5'-ATAACTATATATTATTTTAAATTTTCTTTCAGGAGGTTTGAAAAATATTTATCTTTCTTG[ATACT>A]TACTTCTCTTTCTGCCTTTTCATTTTCATATTGATACTGTCTTTCTTTTAAGTGATTACA-3'

ClinVar aggregate classification (germline): Conflicting classifications of pathogenicity. Review status: criteria provided, conflicting classifications (1 of 4 stars). 5 submissions from 5 submitters: Uncertain significance (4); Likely benign (1). Last evaluated 2026-02-11.

Conditions:
Thrombocytopenia 2 (THC2). Also called: ANKRD26-Related Thrombocytopenia. Identifiers: Orphanet 268322, MedGen C1861185, MONDO:0008555, OMIM 188000.

Submissions (5):

St. Jude Molecular Pathology, St. Jude Children's Research Hospital
Classification: Uncertain significance for Thrombocytopenia 2. Last evaluated: 2026-02-11. Review status: criteria provided, single submitter. Criteria: St. Jude Assertion Criteria 2020. Collection method: clinical testing. Allele origin: germline.
Comment: The ANKRD26 c.3654+4_3654+7del intronic change results in a deletion of in a deletion of four nucleotides in intron 24 of the ANKRD26 gene. Algorithms that predict the impact of sequence changes on splicing indicate that this change may impact splicing, but to our knowledge these predictions have not been confirmed by RNA studies. This variant is not located in the 5' UTR. This variant has a maximum subpopulation frequency of 0.01% absent in gnomAD v2.1.1. To our knowledge, this variant has not been reported in individuals with ANKRD26-related thrombocytopenia. In summary, the evidence currently available is insufficient to determine the clinical significance of this variant. It has therefore been classified as of uncertain significance.

Labcorp Genetics (formerly Invitae), Labcorp
Classification: Uncertain significance. Last evaluated: 2025-12-22. Review status: criteria provided, single submitter. Criteria: Invitae Variant Classification Sherloc (09022015). Collection method: clinical testing. Allele origin: germline.
Comment: This sequence change falls in intron 24 of the ANKRD26 gene. It does not directly change the encoded amino acid sequence of the ANKRD26 protein. It affects a nucleotide within the consensus splice site. This variant is present in population databases (rs777026529, gnomAD 0.07%), and has an allele count higher than expected for a pathogenic variant. This variant has not been reported in the literature in individuals affected with ANKRD26-related conditions. Variants that disrupt the consensus splice site are a relatively common cause of aberrant splicing (PMID: 17576681, 9536098). Algorithms developed to predict the effect of sequence changes on RNA splicing suggest that this variant may disrupt the consensus splice site. In summary, the available evidence is currently insufficient to determine the role of this variant in disease. Therefore, it has been classified as a Variant of Uncertain Significance.

Mayo Clinic Laboratories, Mayo Clinic
Classification: Uncertain significance. Last evaluated: 2025-12-18. Review status: criteria provided, single submitter. Criteria: ACMG Guidelines, 2015. Collection method: clinical testing. Allele origin: germline. Observed: 1 variant allele.
Comment: PP3

GeneDx
Classification: Uncertain significance. Last evaluated: 2025-10-01. Review status: criteria provided, single submitter. Criteria: GeneDx Variant Classification Process June 2021. Collection method: clinical testing. Allele origin: germline.
Comment: In silico analysis supports a deleterious effect on splicing; Reported in the literature in a patient with neuroblastoma (PMID: 34301788); This variant is associated with the following publications: (PMID: 34301788)

Blueprint Genetics
Classification: Likely benign. Last evaluated: 2024-01-08. Review status: criteria provided, single submitter. Criteria: ACMG Guidelines, 2015. Collection method: clinical testing. Allele origin: germline.

Literature cited by the submitters: PubMed 17576681 (cited by Labcorp Genetics (formerly Invitae), Labcorp); PubMed 9536098 (cited by Labcorp Genetics (formerly Invitae), Labcorp).